The following is an entry in ClinVar:

ClinVar aggregate classification (germline): Uncertain significance (1 of 4 stars; one submission).

Submission:

Labcorp Genetics (formerly Invitae), Labcorp
Classification: Uncertain significance. Last evaluated: 2025-03-06. Review status: criteria provided, single submitter. Criteria: Invitae Variant Classification Sherloc (09022015). Collection method: clinical testing. Allele origin: germline.
Comment: This sequence change replaces isoleucine, which is neutral and non-polar, with valine, which is neutral and non-polar, at codon 81 of the HK1 protein (p.Ile81Val). This variant is not present in population databases (gnomAD no frequency). This variant has not been reported in the literature in individuals affected with HK1-related conditions. Invitae Evidence Modeling of protein sequence and biophysical properties (such as structural, functional, and spatial information, amino acid conservation, physicochemical variation, residue mobility, and thermodynamic stability) indicates that this missense variant is not expected to disrupt HK1 protein function with a negative predictive value of 80%. In summary, the available evidence is currently insufficient to determine the role of this variant in disease. Therefore, it has been classified as a Variant of Uncertain Significance.

NM_000188.3(HK1):c.241A>G (p.Ile81Val)

Gene: HK1 (hexokinase 1; plus strand). Cytogenetic location: 10q22.1.
Variant type: single nucleotide variant.
Coding change: c.241A>G on transcript NM_000188.3 (MANE Select); coding-DNA position 241, A replaced by G.
Protein change: p.Ile81Val; replaces isoleucine 81 with valine.
Molecular consequence: missense variant. On other transcripts: 5 prime UTR variant (3), non-coding transcript variant (2), intron variant (1).
Genome position (GRCh38, 1-based): chr10:69,359,911, A>G. VCF-style: chr10-69359911-A-G. GRCh37 (hg19) VCF-style: chr10-71119667-A-G.
Other names: c.253A>G, p.Ile85Val (NM_001322364.2, NM_001358263.1, NM_033497.3 and 1 more transcripts); c.346A>G, p.Ile116Val (NM_001322365.2); c.157A>G, p.Ile53Val (NM_001322366.1, NM_001441143.1); c.241A>G, p.Ile81Val (NM_001322367.1, NM_001441139.1, NM_001441141.1 and 5 more transcripts); c.232A>G, p.Ile78Val (NM_001441140.1); c.199A>G, p.Ile67Val (NM_001441142.1); c.19A>G, p.Ile7Val (NM_001441147.1); c.-164A>G (NM_001441151.1); and 5 more; short protein forms I116V, I53V, I67V, I69V, I78V, I7V, I80V, I81V.
Identifiers: ClinVar variation 4810634 (VCV004810634.1).